The following is an entry in ClinVar:

ClinVar aggregate classification (germline): Uncertain significance. Review status: criteria provided, multiple submitters, no conflicts (2 of 4 stars). 2 submissions from 2 submitters: Uncertain significance (2). Last evaluated 2025-09-11.

Conditions:
SRGAP1-related disorder. Also called: SRGAP1-related condition.

gnomAD v4.1: 4 of 1,614,076 alleles (0.00025%); highest among the groups gnomAD compares: African/African-American, 0.0053%; no homozygotes.

Submissions (2):

Ambry Genetics
Classification: Uncertain significance. Last evaluated: 2025-09-11. Review status: criteria provided, single submitter. Criteria: Ambry Variant Classification Scheme 2023. Collection method: clinical testing. Allele origin: germline.

PreventionGenetics, part of Exact Sciences
Classification: Uncertain significance for SRGAP1-related condition. Last evaluated: 2023-05-09. Review status: criteria provided, single submitter. Criteria: ACMG Guidelines, 2015. Collection method: clinical testing. Allele origin: germline.
Comment: The SRGAP1 c.2698C>G variant is predicted to result in the amino acid substitution p.Arg900Gly. To our knowledge, this variant has not been reported in the literature or in a large population database, indicating this variant is rare. At this time, the clinical significance of this variant is uncertain due to the absence of conclusive functional and genetic evidence.

NM_020762.4(SRGAP1):c.2698C>G (p.Arg900Gly)

Gene: SRGAP1 (SLIT-ROBO Rho GTPase activating protein 1; plus strand). Cytogenetic location: 12q14.2.
Variant type: single nucleotide variant.
Coding change: c.2698C>G on transcript NM_020762.4 (MANE Select); coding-DNA position 2698, C replaced by G.
Protein change: p.Arg900Gly; replaces arginine 900 with glycine.
Molecular consequence: missense variant.
Genome position (GRCh38, 1-based): chr12:64,128,018, C>G. VCF-style: chr12-64128018-C-G. GRCh37 (hg19) VCF-style: chr12-64521798-C-G.
Other names: c.2629C>G, p.Arg877Gly (NM_001346201.2); c.2698C>G (NM_020762.2); short protein forms R877G, R900G.
Identifiers: ClinVar variation 2632760 (VCV002632760.2), dbSNP rs768091956, ClinGen allele CA385588912.